The following is an entry in ClinVar:

ClinVar aggregate classification (germline): Uncertain significance (1 of 4 stars; one submission).

Submission:

Dasa
Classification: Uncertain significance. Last evaluated: 2025-05-28. Review status: criteria provided, single submitter. Criteria: DASA Assertion Criteria. Collection method: clinical testing. Allele origin: germline.
Comment: NM_019842.4(KCNQ5):c.544G>T (p.Ala182Ser) is a missense variant that results in the substitution of alanine with serine. This variant is absent from population databases. The currently available literature and clinical evidence are not sufficient to establish a definitive association between this variant and the reported condition. Therefore, this variant is classified as a variant of uncertain significance.

NM_019842.4(KCNQ5):c.544G>T (p.Ala182Ser)

Gene: KCNQ5 (potassium voltage-gated channel subfamily Q member 5; plus strand). Cytogenetic location: 6q13.
Variant type: single nucleotide variant.
Coding change: c.544G>T on transcript NM_019842.4 (MANE Select); coding-DNA position 544, G replaced by T.
Protein change: p.Ala182Ser; replaces alanine 182 with serine.
Molecular consequence: missense variant.
Genome position (GRCh38, 1-based): chr6:73,041,990, G>T. VCF-style: chr6-73041990-G-T. GRCh37 (hg19) VCF-style: chr6-73751713-G-T.
Other names: c.544G>T, p.Ala182Ser (NM_001160130.2, NM_001160132.2, NM_001160133.2 and 1 more transcripts); short protein forms A182S.
Identifiers: ClinVar variation 4884959 (VCV004884959.2).